The following is an entry in ClinVar:

ClinVar aggregate classification (germline): Uncertain significance (1 of 4 stars; one submission).

Conditions:
DiGeorge syndrome. Also called: THIRD AND FOURTH PHARYNGEAL POUCH SYNDROME; Catch22. Identifiers: Orphanet 567, MedGen C0012236, MONDO:0008564, OMIM 188400.

Submission:

Labcorp Genetics (formerly Invitae), Labcorp
Classification: Uncertain significance for DiGeorge syndrome. Last evaluated: 2024-05-23. Review status: criteria provided, single submitter. Criteria: Invitae Variant Classification Sherloc (09022015). Collection method: clinical testing. Allele origin: germline.
Comment: This sequence change replaces proline, which is neutral and non-polar, with leucine, which is neutral and non-polar, at codon 494 of the TBX1 protein (p.Pro494Leu). This variant is not present in population databases (gnomAD no frequency). This missense change has been observed in individual(s) with combined immunodeficiency (PMID: 32185379). An algorithm developed to predict the effect of missense changes on protein structure and function (PolyPhen-2) suggests that this variant is likely to be disruptive. In summary, the available evidence is currently insufficient to determine the role of this variant in disease. Therefore, it has been classified as a Variant of Uncertain Significance.

Literature cited by the submitters: PubMed 32185379.

NM_001379200.1(TBX1):c.1508C>T (p.Pro503Leu)

Gene: TBX1 (T-box transcription factor 1; plus strand). Cytogenetic location: 22q11.21.
Variant type: single nucleotide variant.
Coding change: c.1508C>T on transcript NM_001379200.1 (MANE Select); coding-DNA position 1508, C replaced by T.
Protein change: p.Pro503Leu; replaces proline 503 with leucine.
Molecular consequence: missense variant. On other transcripts: intron variant (2).
Genome position (GRCh38, 1-based): chr22:19,766,860, C>T. VCF-style: chr22-19766860-C-T. GRCh37 (hg19) VCF-style: chr22-19754383-C-T.
Other names: c.1481C>T, p.Pro494Leu (NM_080647.1); c.1009+858C>T (NM_005992.1, NM_080646.2); short protein forms P494L, P503L.
Identifiers: ClinVar variation 2955507 (VCV002955507.3), dbSNP rs756769832, ClinGen allele CA410685830.